The following is an entry in ClinVar:

NM_004984.4(KIF5A):c.170C>T (p.Thr57Met)

Gene: KIF5A (kinesin family member 5A; plus strand). Cytogenetic location: 12q13.3.
Variant type: single nucleotide variant.
Coding change: c.170C>T on transcript NM_004984.4 (MANE Select); coding-DNA position 170, C replaced by T.
Protein change: p.Thr57Met; replaces threonine 57 with methionine.
Molecular consequence: missense variant. On other transcripts: intron variant (1).
Genome position (GRCh38, 1-based): chr12:57,563,479, C>T. VCF-style: chr12-57563479-C-T. GRCh37 (hg19) VCF-style: chr12-57957262-C-T.
Other names: c.130-981C>T (NM_001354705.2); short protein forms T57M.
Identifiers: ClinVar variation 1463899 (VCV001463899.8), dbSNP rs759785671, ClinGen allele CA6652523.

ClinVar aggregate classification (germline): Uncertain significance (1 of 4 stars; one submission).

Conditions:
Spastic paraplegia. Identifiers: MedGen C0037772, HP:0001258.

Allele frequency attached by ClinVar (database versions not stated): ExAC 0.00001; gnomAD 0.00001; gnomAD exomes 0.00001.
gnomAD v4.1: 17 of 1,613,750 alleles (0.0011%); highest among the groups gnomAD compares: South Asian, 0.0044%; no homozygotes.

Submission:

Labcorp Genetics (formerly Invitae), Labcorp
Classification: Uncertain significance for Spastic paraplegia. Last evaluated: 2024-12-07. Review status: criteria provided, single submitter. Criteria: Invitae Variant Classification Sherloc (09022015). Collection method: clinical testing. Allele origin: germline.
Comment: This sequence change replaces threonine, which is neutral and polar, with methionine, which is neutral and non-polar, at codon 57 of the KIF5A protein (p.Thr57Met). This variant is present in population databases (rs759785671, gnomAD 0.003%). This variant has not been reported in the literature in individuals affected with KIF5A-related conditions. ClinVar contains an entry for this variant (Variation ID: 1463899). Invitae Evidence Modeling of protein sequence and biophysical properties (such as structural, functional, and spatial information, amino acid conservation, physicochemical variation, residue mobility, and thermodynamic stability) has been performed for this missense variant. However, the output from this modeling did not meet the statistical confidence thresholds required to predict the impact of this variant on KIF5A protein function. In summary, the available evidence is currently insufficient to determine the role of this variant in disease. Therefore, it has been classified as a Variant of Uncertain Significance.